The following is an entry in ClinVar:

ClinVar aggregate classification (germline): Benign/Likely benign. Review status: criteria provided, multiple submitters, no conflicts (2 of 4 stars). 3 submissions from 3 submitters: Benign (1); Likely benign (2). Last evaluated 2025-03-26.

Conditions:
Hereditary cancer-predisposing syndrome. Also called: Tumor predisposition; Hereditary Cancer Syndrome; Hereditary neoplastic syndrome; Neoplastic Syndromes, Hereditary. Identifiers: Orphanet 140162, MedGen C0027672, MeSH D009386, MONDO:0015356.
Peutz-Jeghers syndrome (PJS). Also called: POLYPOSIS, HAMARTOMATOUS INTESTINAL; POLYPS-AND-SPOTS SYNDROME; Peutz-Jeghers polyposis; Periorificial lentiginosis syndrome. Identifiers: Orphanet 2869, MedGen C0031269, MeSH D010580, MONDO:0008280, OMIM 175200.

Submissions (3):

Myriad Genetics, Inc.
Classification: Benign for Peutz-Jeghers syndrome. Last evaluated: 2025-03-26. Review status: criteria provided, single submitter. Criteria: Myriad Autosomal Dominant, Autosomal Recessive and X-Linked Classification Criteria (2023). Collection method: clinical testing. Allele origin: unknown.
Comment: This variant is considered benign. This variant is a silent/synonymous amino acid change and it is not expected to impact splicing.

GeneDx
Classification: Likely benign. Last evaluated: 2016-03-07. Review status: criteria provided, single submitter. Criteria: GeneDx Variant Classification (06012015). Collection method: clinical testing. Allele origin: germline. Affected: yes.
Comment: This variant is considered likely benign or benign based on one or more of the following criteria: it is a conservative change, it occurs at a poorly conserved position in the protein, it is predicted to be benign by multiple in silico algorithms, and/or has population frequency not consistent with disease.

Ambry Genetics
Classification: Likely benign for Hereditary cancer-predisposing syndrome. Last evaluated: 2014-07-09. Review status: criteria provided, single submitter. Criteria: Ambry Variant Classification Scheme 2023. Collection method: clinical testing. Allele origin: germline.

NM_000455.5(STK11):c.453C>T (p.Cys151=)

Gene: STK11 (serine/threonine kinase 11; plus strand). Cytogenetic location: 19p13.3.
Variant type: single nucleotide variant.
Coding change: c.453C>T on transcript NM_000455.5 (MANE Select); coding-DNA position 453, C replaced by T.
Protein change: p.Cys151=; no amino-acid change (cysteine 151 retained).
Molecular consequence: synonymous variant.
Genome position (GRCh38, 1-based): chr19:1,219,402, C>T. VCF-style: chr19-1219402-C-T. GRCh37 (hg19) VCF-style: chr19-1219401-C-T.
Identifiers: ClinVar variation 184509 (VCV000184509.6), dbSNP rs786201510, ClinGen allele CA022963.